The following is an entry in ClinVar:

ClinVar aggregate classification (germline): Benign. Review status: criteria provided, multiple submitters, no conflicts (2 of 4 stars). 3 submissions from 3 submitters: Benign (2). 1 of the submissions does not count toward it. Last evaluated 2026-01-25.

Conditions:
PITRM1-related disorder. Also called: PITRM1-related condition.

Allele frequency attached by ClinVar (database versions not stated): 1000 Genomes Project 30x 0.01140; 1000 Genomes Project 0.01158; ESP Exome Variant Server 0.01139; TOPMed 0.01496.

Submissions (3):

Labcorp Genetics (formerly Invitae), Labcorp
Classification: Benign. Last evaluated: 2026-01-25. Review status: criteria provided, single submitter. Criteria: Invitae Variant Classification Sherloc (09022015). Collection method: clinical testing. Allele origin: germline.

Breakthrough Genomics
Classification: Benign. Review status: criteria provided, single submitter. Criteria: ACMG Guidelines, 2015. Collection method: not provided. Allele origin: germline. Inheritance: Autosomal recessive inheritance. Affected: yes.

PreventionGenetics, part of Exact Sciences
Classification: Benign for PITRM1-related condition. Last evaluated: 2019-10-29. Review status: no assertion criteria provided. Collection method: clinical testing. Allele origin: germline. Not counted in ClinVar's aggregate classification.
Comment: This variant is classified as benign based on ACMG/AMP sequence variant interpretation guidelines (Richards et al. 2015 PMID: 25741868, with internal and published modifications).

NM_014889.4(PITRM1):c.26G>T (p.Gly9Val)

Genes: PITRM1 (pitrilysin metallopeptidase 1; minus strand), LOC130003177 (ATAC-STARR-seq lymphoblastoid silent region 2073; plus strand). Cytogenetic location: 10p15.2.
Variant type: single nucleotide variant.
Coding change: c.26G>T on transcript NM_014889.4 (MANE Select); coding-DNA position 26, G replaced by T.
Protein change: p.Gly9Val; replaces glycine 9 with valine.
Molecular consequence: missense variant. On other transcripts: synonymous variant (1), 5 prime UTR variant (3), non-coding transcript variant (4).
Genome position (GRCh38, 1-based): chr10:3,172,747, C>A on the plus strand (G>T on the coding strand, the complement: PITRM1 is on the minus strand). VCF-style: chr10-3172747-C-A. GRCh37 (hg19) VCF-style: chr10-3214939-C-A.
Other names: c.26G>T (NM_001242307.1); c.33G>T, p.Gly11= (NM_001242309.1); c.26G>T, p.Gly9Val (NM_001242307.2, NM_001347725.2); c.-546G>T (NM_001347726.2, NM_001347727.2); c.-1275G>T (NM_001347728.2); short protein forms G9V.
Identifiers: ClinVar variation 768346 (VCV000768346.13), dbSNP rs199766052, ClinGen allele CA5388379.
Genomic context (GRCh38, chr10:3,172,747, plus strand): 5'-CGCCGAGCGCCTCCCGTCGCAGCGTCTCACCCGCCGCTCAGCCGCCTCAGCACACACAGG[C>A]CCTGCCGCCCGCCGCAGCGCCACATTGCGCATGACGAGCACCTGGCTGGCGAGGAACCCC-3'
Protein context (NP_055704.2, residues 1-19): MWRCGGRQ[Gly9Val]LCVLRRLSGG